The following is an entry in ClinVar:

ClinVar aggregate classification (germline): Uncertain significance (1 of 4 stars; one submission).

Conditions:
Charcot-Marie-Tooth disease axonal type 2U. Also called: CHARCOT-MARIE-TOOTH NEUROPATHY, TYPE 2U; CHARCOT-MARIE-TOOTH DISEASE, AXONAL, AUTOSOMAL DOMINANT, TYPE 2U. Identifiers: Orphanet 397735, MedGen C4084821, MONDO:0014566, OMIM 616280.
Severe early-onset pulmonary alveolar proteinosis due to MARS deficiency. Also called: Interstitial lung and liver disease; PULMONARY ALVEOLAR PROTEINOSIS, REUNION ISLAND. Identifiers: Orphanet 440427, MedGen C4225400, MONDO:0014206, OMIM 615486.

Allele frequency attached by ClinVar (database versions not stated): TOPMed below 0.00001.
gnomAD v4.1: 2 of 1,614,196 alleles (0.00012%); highest among the groups gnomAD compares: African/African-American, 0.0027%; no homozygotes.

Submission:

Labcorp Genetics (formerly Invitae), Labcorp
Classification: Uncertain significance for Charcot-Marie-Tooth disease axonal type 2U; Severe early-onset pulmonary alveolar proteinosis due to MARS deficiency. Last evaluated: 2024-04-22. Review status: criteria provided, single submitter. Criteria: Invitae Variant Classification Sherloc (09022015). Collection method: clinical testing. Allele origin: germline.
Comment: This sequence change replaces valine, which is neutral and non-polar, with methionine, which is neutral and non-polar, at codon 117 of the MARS protein (p.Val117Met). This variant is present in population databases (no rsID available, gnomAD 0.007%). This variant has not been reported in the literature in individuals affected with MARS-related conditions. ClinVar contains an entry for this variant (Variation ID: 1980793). Algorithms developed to predict the effect of missense changes on protein structure and function output the following: SIFT: "Not Available"; PolyPhen-2: "Benign"; Align-GVGD: "Not Available". The methionine amino acid residue is found in multiple mammalian species, which suggests that this missense change does not adversely affect protein function. In summary, the available evidence is currently insufficient to determine the role of this variant in disease. Therefore, it has been classified as a Variant of Uncertain Significance.

NM_004990.4(MARS1):c.349G>A (p.Val117Met)

Gene: MARS1 (methionyl-tRNA synthetase 1; plus strand). Cytogenetic location: 12q13.3.
Variant type: single nucleotide variant.
Coding change: c.349G>A on transcript NM_004990.4 (MANE Select); coding-DNA position 349, G replaced by A.
Protein change: p.Val117Met; replaces valine 117 with methionine.
Molecular consequence: missense variant.
Genome position (GRCh38, 1-based): chr12:57,489,493, G>A. VCF-style: chr12-57489493-G-A. GRCh37 (hg19) VCF-style: chr12-57883276-G-A.
Other names: short protein forms V117M.
Identifiers: ClinVar variation 1980793 (VCV001980793.4), dbSNP rs761131110, ClinGen allele CA237807250.
Genomic context (GRCh38, chr12:57,489,493, plus strand): 5'-TCTGCTGCCCTGTACTATTTAGTGGTCCAAGGCAAGAAGGGGGAAGATGTTCTTGGTTCA[G>A]TGCGGAGAGCCCTGACTCACATTGACCACAGCTTGAGTCGTCAGAACTGTCCTTTCCTGG-3'
Protein context (NP_004981.2, residues 107-127): GKKGEDVLGS[Val117Met]RRALTHIDHS